The following is an entry in ClinVar:

NM_001429.4(EP300):c.800C>A (p.Ala267Asp)

Gene: EP300 (EP300 lysine acetyltransferase; plus strand). Cytogenetic location: 22q13.2.
Variant type: single nucleotide variant.
Coding change: c.800C>A on transcript NM_001429.4 (MANE Select); coding-DNA position 800, C replaced by A.
Protein change: p.Ala267Asp; replaces alanine 267 with aspartic acid.
Molecular consequence: missense variant.
Genome position (GRCh38, 1-based): chr22:41,125,934, C>A. VCF-style: chr22-41125934-C-A. GRCh37 (hg19) VCF-style: chr22-41521938-C-A.
Other names: c.800C>A, p.Ala267Asp (NM_001362843.2); short protein forms A267D.
Identifiers: ClinVar variation 4981588 (VCV004981588.1).

ClinVar aggregate classification (germline): Uncertain significance (1 of 4 stars; one submission).

Conditions:
EP300-related disorder. Also called: EP300-related condition; EP300-related disorders.

gnomAD v4.1: 1 of 1,614,092 alleles (0.000062%); highest among the groups gnomAD compares: African/African-American, 0.0013%; no homozygotes.

Submission:

PreventionGenetics, part of Exact Sciences
Classification: Uncertain significance for EP300-related condition. Last evaluated: 2025-08-26. Review status: criteria provided, single submitter. Criteria: ACMG Guidelines, 2015. Collection method: clinical testing. Allele origin: germline.
Comment: The EP300 c.800C>A variant is predicted to result in the amino acid substitution p.Ala267Asp. To our knowledge, this variant has not been reported in the literature or in a large population database (gnomAD), indicating this variant is rare. At this time, the clinical significance of this variant is uncertain due to the absence of conclusive functional and genetic evidence.